The following is an entry in ClinVar:

ClinVar aggregate classification (germline): Likely pathogenic. Review status: criteria provided, single submitter (1 of 4 stars). 2 submissions from 2 submitters: Likely pathogenic (1). 1 of the submissions does not count toward it. Last evaluated 2014-01-01.

Conditions:
Hypertrichotic osteochondrodysplasia Cantu type. Also called: Cantú Syndrome; Cantu Syndrome. Identifiers: Orphanet 1517, MedGen C0795905, MONDO:0009406, OMIM 239850.
Dilated cardiomyopathy 1O (CMD1O). Also called: CARDIOMYOPATHY, DILATED, WITH VENTRICULAR TACHYCARDIA. Identifiers: Orphanet 154, MedGen C1837839, MONDO:0012062, OMIM 608569.

Submissions (2):

Equipe Genetique des Anomalies du Developpement, Université de Bourgogne
Classification: Likely pathogenic for Hypertrichotic osteochondrodysplasia Cantu type. Last evaluated: 2014-01-01. Review status: criteria provided, single submitter. Criteria: ACMG Guidelines, 2007. Collection method: clinical testing. Allele origin: inherited. Affected: yes.

Solve-RD Consortium
Classification: Likely pathogenic for Dilated cardiomyopathy 1O. Last evaluated: 2022-06-01. Review status: no assertion criteria provided. Collection method: provider interpretation. Allele origin: inherited. Affected: yes. Not counted in ClinVar's aggregate classification.
Comment: Variant confirmed as disease-causing by referring clinical team

Variant identified during reanalysis of unsolved cases by the Solve-RD project. The Solve-RD project has received funding from the European Union’s Horizon 2020 research and innovation programme under grant agreement No 779257.

Literature cited by the submitters: PubMed 39825153 (cited by Solve-RD Consortium).

NM_020297.4(ABCC9):c.1703C>T (p.Pro568Leu)

Gene: ABCC9 (ATP binding cassette subfamily C member 9; minus strand). Cytogenetic location: 12p12.1.
Variant type: single nucleotide variant.
Coding change: c.1703C>T on transcript NM_020297.4 (MANE Select); coding-DNA position 1703, C replaced by T.
Protein change: p.Pro568Leu; replaces proline 568 with leucine.
Molecular consequence: missense variant.
Genome position (GRCh38, 1-based): chr12:21,894,131, G>A on the plus strand (C>T on the coding strand, the complement: ABCC9 is on the minus strand). VCF-style: chr12-21894131-G-A. GRCh37 (hg19) VCF-style: chr12-22047065-G-A.
Other names: c.1703C>T, p.Pro568Leu (NM_001377273.1, NM_005691.4); c.839C>T, p.Pro280Leu (NM_001377274.1); short protein forms P568L, P280L.
Identifiers: ClinVar variation 666318 (VCV000666318.2), dbSNP rs1592166720, ClinGen allele CA384137318.